The following is an entry in ClinVar:

ClinVar aggregate classification (germline): Uncertain significance (1 of 4 stars; one submission).

Submission:

Labcorp Genetics (formerly Invitae), Labcorp
Classification: Uncertain significance. Last evaluated: 2023-04-09. Review status: criteria provided, single submitter. Criteria: Invitae Variant Classification Sherloc (09022015). Collection method: clinical testing. Allele origin: germline.
Comment: In summary, the available evidence is currently insufficient to determine the role of this variant in disease. Therefore, it has been classified as a Variant of Uncertain Significance. Experimental studies and prediction algorithms are not available or were not evaluated, and the functional significance of this variant is currently unknown. ClinVar contains an entry for this variant (Variation ID: 1939938). This variant has not been reported in the literature in individuals affected with CLCN6-related conditions. This variant is present in population databases (rs776489277, gnomAD 0.03%). This variant, c.812_814del, results in the deletion of 1 amino acid(s) of the CLCN6 protein (p.Phe271del), but otherwise preserves the integrity of the reading frame.

NM_001286.5(CLCN6):c.812_814del (p.Phe271del)

Gene: CLCN6 (chloride voltage-gated channel 6; plus strand). Cytogenetic location: 1p36.22.
Variant type: Deletion.
Coding change: c.812_814del on transcript NM_001286.5 (MANE Select); coding-DNA positions 812 to 814, 3 bases deleted (TCT; older notation c.812_814delTCT).
Protein change: p.Phe271del; deletes phenylalanine 271.
Molecular consequence: inframe deletion. On other transcripts: non-coding transcript variant (1).
Genome position (GRCh38, 1-based): chr1:11,827,193-11,827,195, TCT deleted; deleting any 3 consecutive bases within chr1:11,827,191-11,827,195 gives the same sequence; the c. name uses the placement nearest the transcript's 3' end. VCF-style (leftmost placement, unchanged base first): chr1-11827190-CCTT-C. GRCh37 (hg19) VCF-style: chr1-11887247-CCTT-C.
Other names: c.746_748del, p.Phe249del (NM_001256959.2); short protein forms F249del, F271del.
Identifiers: ClinVar variation 1939938 (VCV001939938.5), dbSNP rs776489277, ClinGen allele CA596245.